The following is an entry in ClinVar:

ClinVar aggregate classification (germline): Uncertain significance (1 of 4 stars; one submission).

Submission:

GeneDx
Classification: Uncertain significance. Last evaluated: 2026-01-23. Review status: criteria provided, single submitter. Criteria: GeneDx Variant Classification Process June 2021. Collection method: clinical testing. Allele origin: germline.
Comment: Not observed at significant frequency in large population cohorts (gnomAD); In silico analysis supports that this missense variant has a deleterious effect on protein structure/function; Has not been previously published as pathogenic or benign to our knowledge

NM_000701.8(ATP1A1):c.1396T>C (p.Ser466Pro)

Genes: ATP1A1-AS1 (ATP1A1 antisense RNA 1; minus strand), ATP1A1 (ATPase Na+/K+ transporting subunit alpha 1; plus strand). Cytogenetic location: 1p13.1.
Variant type: single nucleotide variant.
Coding change: c.1396T>C on transcript NM_000701.8 (MANE Select); coding-DNA position 1396, T replaced by C.
Protein change: p.Ser466Pro; replaces serine 466 with proline.
Molecular consequence: missense variant. On other transcripts: non-coding transcript variant (1).
Genome position (GRCh38, 1-based): chr1:116,392,917, T>C. VCF-style: chr1-116392917-T-C. GRCh37 (hg19) VCF-style: chr1-116935539-T-C.
Other names: c.1396T>C, p.Ser466Pro (NM_001160233.2); c.1303T>C, p.Ser435Pro (NM_001160234.2); short protein forms S435P, S466P.
Identifiers: ClinVar variation 4975601 (VCV004975601.1).
Genomic context (GRCh38, chr1:116,392,917, plus strand): 5'-GCAGTTGCAGGAGATGCCTCTGAGTCAGCACTCTTAAAGTGCATAGAGCTGTGCTGTGGT[T>C]CCGTGAAGGAGATGAGAGAAAGATACGCCAAAATCGTCGAGATACCCTTCAACTCCACCA-3'
Protein context (NP_000692.2, residues 456-476): LLKCIELCCG[Ser466Pro]VKEMRERYAK